The following is an entry in ClinVar:

ClinVar aggregate classification (germline): Conflicting classifications of pathogenicity. Review status: criteria provided, conflicting classifications (1 of 4 stars). 2 submissions from 2 submitters: Uncertain significance (1); Likely benign (1). Last evaluated 2024-06-28.

Conditions:
Hereditary cancer-predisposing syndrome. Also called: Hereditary Cancer Syndrome; Hereditary neoplastic syndrome; Neoplastic Syndromes, Hereditary; Tumor predisposition. Identifiers: Orphanet 140162, MedGen C0027672, MeSH D009386, MONDO:0015356.
Renal cell carcinoma. Identifiers: Orphanet 217071, MedGen C0007134, MeSH D002292, MONDO:0005086, HP:0005584.

Submissions (2):

Ambry Genetics
Classification: Likely benign for Hereditary cancer-predisposing syndrome. Last evaluated: 2024-06-28. Review status: criteria provided, single submitter. Criteria: Ambry Variant Classification Scheme 2023. Collection method: clinical testing. Allele origin: germline.

Labcorp Genetics (formerly Invitae), Labcorp
Classification: Uncertain significance for Renal cell carcinoma. Last evaluated: 2021-01-08. Review status: criteria provided, single submitter. Criteria: Invitae Variant Classification Sherloc (09022015). Collection method: clinical testing. Allele origin: germline.
Comment: In summary, the available evidence is currently insufficient to determine the role of this variant in disease. Therefore, it has been classified as a Variant of Uncertain Significance. Algorithms developed to predict the effect of missense changes on protein structure and function output the following: SIFT: "Tolerated"; PolyPhen-2: "Benign"; Align-GVGD: "Class C0". The asparagine amino acid residue is found in multiple mammalian species, suggesting that this missense change does not adversely affect protein function. These predictions have not been confirmed by published functional studies and their clinical significance is uncertain. This variant has not been reported in the literature in individuals with MET-related conditions. This variant is not present in population databases (ExAC no frequency). This sequence change replaces serine with asparagine at codon 170 of the MET protein (p.Ser170Asn). The serine residue is weakly conserved and there is a small physicochemical difference between serine and asparagine.

NM_000245.4(MET):c.509G>A (p.Ser170Asn)

Gene: MET (MET proto-oncogene, receptor tyrosine kinase; plus strand). Cytogenetic location: 7q31.2.
Variant type: single nucleotide variant.
Coding change: c.509G>A on transcript NM_000245.4 (MANE Select); coding-DNA position 509, G replaced by A.
Protein change: p.Ser170Asn; replaces serine 170 with asparagine.
Molecular consequence: missense variant. On other transcripts: intron variant (1).
Genome position (GRCh38, 1-based): chr7:116,699,593, G>A. VCF-style: chr7-116699593-G-A. GRCh37 (hg19) VCF-style: chr7-116339647-G-A.
Other names: c.509G>A, p.Ser170Asn (NM_001127500.3, NM_001324401.3); c.-91+27016G>A (NM_001324402.2); c.509G>A (NM_001127500.1); short protein forms S170N.
Identifiers: ClinVar variation 1430443 (VCV001430443.9), dbSNP rs1584877029, ClinGen allele CA368969235.